The following is an entry in ClinVar:

NM_001164508.2(NEB):c.126T>A (p.Tyr42Ter)

Gene: NEB (nebulin; minus strand). Cytogenetic location: 2q23.3.
Variant type: single nucleotide variant.
Coding change: c.126T>A on transcript NM_001164508.2 (MANE Select); coding-DNA position 126, T replaced by A.
Protein change: p.Tyr42Ter; replaces tyrosine 42 with a stop codon.
Molecular consequence: nonsense.
Genome position (GRCh38, 1-based): chr2:151,727,859, A>T on the plus strand (T>A on the coding strand, the complement: NEB is on the minus strand). VCF-style: chr2-151727859-A-T. GRCh37 (hg19) VCF-style: chr2-152584373-A-T.
Other names: NM_001164508.2(NEB):c.126T>A; p.Tyr42Ter; c.126T>A, p.Tyr42Ter (NM_001164507.2, NM_001271208.2, NM_004543.5); short protein forms Y42*.
Identifiers: ClinVar variation 1725605 (VCV001725605.4), dbSNP rs2552280353, ClinGen allele CA348795711.
Genomic context (GRCh38, chr2:151,727,859, plus strand): 5'-TGATGCTGGCTGTGCCAGTGCTGGCTGTGCCAGAGCTGGTTTGGAAGTTTCTGATTGCTC[A>T]TAGTCAGATGTCCTTGTTGTCGTAGTCTCATAAATTTTTGTTATTGTCTGAAAATTTGAT-3'

ClinVar aggregate classification (germline): Pathogenic/Likely pathogenic. Review status: criteria provided, multiple submitters, no conflicts (2 of 4 stars). 3 submissions from 3 submitters: Pathogenic (1); Likely pathogenic (2). Last evaluated 2025-07-09.

Conditions:
Nemaline myopathy 2 (NEM2). Also called: Nemaline myopathy 2, autosomal recessive. Identifiers: MedGen C1850569, MONDO:0009725, OMIM 256030.
Nemaline myopathy. Also called: Myopathies, Nemaline. Identifiers: Orphanet 607, MedGen C0206157, MONDO:0018958.

gnomAD v4.1: 1 of 1,613,698 alleles (0.000062%); highest among the groups gnomAD compares: Non-Finnish European, 0.000085%; no homozygotes.

Submissions (3):

Labcorp Genetics (formerly Invitae), Labcorp
Classification: Pathogenic for Nemaline myopathy 2. Last evaluated: 2025-07-09. Review status: criteria provided, single submitter. Criteria: Invitae Variant Classification Sherloc (09022015). Collection method: clinical testing. Allele origin: germline.
Comment: This sequence change creates a premature translational stop signal (p.Tyr42*) in the NEB gene. It is expected to result in an absent or disrupted protein product. Loss-of-function variants in NEB are known to be pathogenic (PMID: 25205138). This variant is not present in population databases (gnomAD no frequency). This variant has not been reported in the literature in individuals affected with NEB-related conditions. ClinVar contains an entry for this variant (Variation ID: 1725605). For these reasons, this variant has been classified as Pathogenic.

Broad Center for Mendelian Genomics, Broad Institute of MIT and Harvard
Classification: Likely pathogenic for Nemaline myopathy. Last evaluated: 2025-03-24. Review status: criteria provided, single submitter. Criteria: ACMG Guidelines, 2015. Collection method: curation. Allele origin: germline. Inheritance: Autosomal recessive inheritance.
Comment: The p.Trp42Ter variant in NEB has not been previously reported in the literature in individuals with nemaline myopathy, but has been identified in 0.00009% (1/1179742) of European (non-Finnish) chromosomes by the Genome Aggregation Database (gnomAD). Although this variant has been seen in the general population in a heterozygous state, its frequency is low enough to be consistent with a recessive carrier frequency. This variant has also been reported in ClinVar (Variation ID: 1725605) and has been interpreted as likely pathogenic by Myriad Genetics. This nonsense variant leads to a premature termination codon at position 42, which is predicted to lead to a truncated or absent protein. Loss of function of the NEB gene is an established disease mechanism in autosomal recessive nemaline myopathy. In summary, although additional studies are required to fully establish its clinical significance, this variant is likely pathogenic for autosomal recessive nemaline myopathy. ACMG/AMP Criteria applied: PVS1, PM2_supporting (Richards 2015).

Myriad Genetics, Inc.
Classification: Likely pathogenic for Nemaline myopathy 2. Last evaluated: 2022-03-30. Review status: criteria provided, single submitter. Criteria: Myriad Women's Health Autosomal Recessive and X-Linked Classification Criteria (2021). Collection method: clinical testing. Allele origin: unknown.
Comment: NM_001271208.1(NEB):c.126T>A(Y42*) is expected to be pathogenic in the context of NEB-related nemaline myopathy. This variant is predicted to lead to an abnormal or absent protein product due to the creation of a premature termination codon in NEB, a gene where loss-of-function variants are known to be pathogenic. Please note: this variant was assessed in the context of healthy population screening.

Literature cited by the submitters: PubMed 25205138 (cited by Labcorp Genetics (formerly Invitae), Labcorp).